The following is an entry in ClinVar:

NM_001130823.3(DNMT1):c.393_404del (p.Leu132_Pro135del)

Gene: DNMT1 (DNA methyltransferase 1; minus strand). Cytogenetic location: 19p13.2.
Variant type: Deletion.
Coding change: c.393_404del on transcript NM_001130823.3 (MANE Select); coding-DNA positions 393 to 404, 12 bases deleted (CCTTTCCAAACC).
Protein change: p.Leu132_Pro135del.
Molecular consequence: inframe deletion. On other transcripts: inframe indel (1).
Genome position (GRCh38, 1-based): chr19:10,180,391-10,180,402, GGTTTGGAAAGG deleted on the plus strand (CCTTTCCAAACC on the coding strand, the reverse complement: DNMT1 is on the minus strand); deleting any 12 consecutive bases within chr19:10,180,391-10,180,409 gives the same sequence; the c. name uses the placement nearest the transcript's 3' end. VCF-style (leftmost placement, unchanged base first): chr19-10180390-AGGTTTGGAAAGG-A. GRCh37 (hg19) VCF-style: chr19-10291066-AGGTTTGGAAAGG-A.
Other names: c.386_397delCCAAACCCCTTT, p.Leu132_Pro135del (NM_001130823.1); c.393_404del, p.Leu132_Pro135del (NM_001318730.2, NM_001379.4); c.30_41del, p.Leu11_Pro14del (NM_001318731.2).
Identifiers: ClinVar variation 3370168 (VCV003370168.2).
Genomic context (GRCh38, chr19:10,180,390, plus strand): 5'-AAGGAATCATCTGCTCTTACGCTTAGCCTCTCCATCGGACTTGCTCCTCCTGGGCGTGCG[AGGTTTGGAAAGG>A]GGTTTGGGGGGGCTGTTGGCATCTGCCATTCCCACTCTACGGGCTTCACTTCTTGCTTGG-3'

ClinVar aggregate classification (germline): Uncertain significance (1 of 4 stars; one submission).

Submission:

GeneDx
Classification: Uncertain significance. Last evaluated: 2025-05-20. Review status: criteria provided, single submitter. Criteria: GeneDx Variant Classification Process June 2021. Collection method: clinical testing. Allele origin: germline.
Comment: Not observed at significant frequency in large population cohorts (gnomAD); In-frame deletion of 4 amino acids in a non-repeat region; In silico analysis supports a deleterious effect on protein structure/function; Has not been previously published as pathogenic or benign to our knowledge